The following is an entry in ClinVar:

NM_000051.4(ATM):c.2126T>A (p.Ile709Asn)

Gene: ATM (ATM serine/threonine kinase; plus strand). Cytogenetic location: 11q22.3.
Variant type: single nucleotide variant.
Coding change: c.2126T>A on transcript NM_000051.4 (MANE Select); coding-DNA position 2126, T replaced by A.
Protein change: p.Ile709Asn; replaces isoleucine 709 with asparagine.
Molecular consequence: missense variant.
Genome position (GRCh38, 1-based): chr11:108,256,216, T>A. VCF-style: chr11-108256216-T-A. GRCh37 (hg19) VCF-style: chr11-108126943-T-A.
Other names: c.2126T>A, p.Ile709Asn (NM_001351834.2); c.2126T>A (NM_000051.3); short protein forms I709N.
Identifiers: ClinVar variation 1406359 (VCV001406359.7), dbSNP rs2135392028, ClinGen allele CA382538635.

ClinVar aggregate classification (germline): Conflicting classifications of pathogenicity. Review status: criteria provided, conflicting classifications (1 of 4 stars). 2 submissions from 2 submitters: Uncertain significance (1); Likely benign (1). Last evaluated 2026-09-08.

Conditions:
Hereditary cancer-predisposing syndrome. Also called: Hereditary Cancer Syndrome; Neoplastic Syndromes, Hereditary; Hereditary neoplastic syndrome; Tumor predisposition. Identifiers: Orphanet 140162, MedGen C0027672, MeSH D009386, MONDO:0015356.
Ataxia-telangiectasia syndrome (AT). Also called: ATAXIA-TELANGIECTASIA, COMPLEMENTATION GROUP A; ATAXIA-TELANGIECTASIA, FRESNO VARIANT; Cerebello-oculocutaneous telangiectasia; Immunodeficiency with ataxia telangiectasia; Ataxia-telangiectasia, complementation group E; Ataxia-telangiectasia. Identifiers: Orphanet 100, MedGen C0004135, MONDO:0008840, OMIM 208900.

Allele frequency attached by ClinVar (database versions not stated): gnomAD exomes 0.00001.
gnomAD v4.1: 14 of 1,603,458 alleles (0.00087%); highest among the groups gnomAD compares: Non-Finnish European, 0.0012%; no homozygotes.

Submissions (2):

Ambry Genetics
Classification: Likely benign for Hereditary cancer-predisposing syndrome. Last evaluated: 2026-09-08. Review status: criteria provided, single submitter. Criteria: Ambry Variant Classification Scheme 2023. Collection method: clinical testing. Allele origin: germline.

Labcorp Genetics (formerly Invitae), Labcorp
Classification: Uncertain significance for Ataxia-telangiectasia syndrome. Last evaluated: 2024-10-27. Review status: criteria provided, single submitter. Criteria: Invitae Variant Classification Sherloc (09022015). Collection method: clinical testing. Allele origin: germline.
Comment: This sequence change replaces isoleucine, which is neutral and non-polar, with asparagine, which is neutral and polar, at codon 709 of the ATM protein (p.Ile709Asn). This variant is not present in population databases (gnomAD no frequency). This variant has not been reported in the literature in individuals affected with ATM-related conditions. ClinVar contains an entry for this variant (Variation ID: 1406359). An algorithm developed to predict the effect of missense changes on protein structure and function (PolyPhen-2) suggests that this variant is likely to be tolerated. In summary, the available evidence is currently insufficient to determine the role of this variant in disease. Therefore, it has been classified as a Variant of Uncertain Significance.

Literature cited by the submitters: PubMed 40580951 (cited by Ambry Genetics).